The following is an entry in ClinVar:

NM_000321.3(RB1):c.508G>A (p.Glu170Lys)

Gene: RB1 (RB transcriptional corepressor 1; plus strand). Cytogenetic location: 13q14.2.
Variant type: single nucleotide variant.
Coding change: c.508G>A on transcript NM_000321.3 (MANE Select); coding-DNA position 508, G replaced by A.
Protein change: p.Glu170Lys; replaces glutamic acid 170 with lysine.
Molecular consequence: missense variant.
Genome position (GRCh38, 1-based): chr13:48,347,832, G>A. VCF-style: chr13-48347832-G-A. GRCh37 (hg19) VCF-style: chr13-48921968-G-A.
Other names: c.508G>A, p.Glu170Lys (NM_001407165.1, NM_001407166.1); short protein forms E170K.
Identifiers: ClinVar variation 1977492 (VCV001977492.2), dbSNP rs587778826, ClinGen allele CA388156792.

ClinVar aggregate classification (germline): Uncertain significance (1 of 4 stars; one submission).

Conditions:
Retinoblastoma (RB1). Also called: RETINOBLASTOMA, SOMATIC. Identifiers: Orphanet 790, MedGen C0035335, MeSH D012175, MONDO:0008380, OMIM 180200, HP:0009919. Disease mechanism: loss of function. Inheritance: Both sporadic and heritable forms are tested..

Allele frequency attached by ClinVar (database versions not stated): gnomAD exomes below 0.00001; TOPMed below 0.00001.
gnomAD v4.1: 1 of 1,591,902 alleles (0.000063%); highest among the groups gnomAD compares: African/African-American, 0.0013%; no homozygotes.

Submission:

Labcorp Genetics (formerly Invitae), Labcorp
Classification: Uncertain significance for Retinoblastoma. Last evaluated: 2022-04-15. Review status: criteria provided, single submitter. Criteria: Invitae Variant Classification Sherloc (09022015). Collection method: clinical testing. Allele origin: germline.
Comment: This sequence change replaces glutamic acid, which is acidic and polar, with lysine, which is basic and polar, at codon 170 of the RB1 protein (p.Glu170Lys). This variant is not present in population databases (gnomAD no frequency). This variant has not been reported in the literature in individuals affected with RB1-related conditions. Algorithms developed to predict the effect of missense changes on protein structure and function (SIFT, PolyPhen-2, Align-GVGD) all suggest that this variant is likely to be tolerated. In summary, the available evidence is currently insufficient to determine the role of this variant in disease. Therefore, it has been classified as a Variant of Uncertain Significance.